The following is an entry in ClinVar:

ClinVar aggregate classification (germline): Conflicting classifications of pathogenicity. Review status: criteria provided, conflicting classifications (1 of 4 stars). 4 submissions from 3 submitters: Uncertain significance (1); Benign (1); Likely benign (2). Last evaluated 2026-01-01.

Conditions:
Pseudohypoaldosteronism, type IB1, autosomal recessive. Also called: Pseudohypoaldosteronism, Type I, Recessive; PHA I, AUTOSOMAL RECESSIVE; Autosomal recessive pseudohypoaldosteronism type 1; Pseudohypoaldosteronism, Type I, Autosomal Recessive. Identifiers: Orphanet 171876, Orphanet 756, MedGen C5774176, MONDO:0009917, OMIM 264350.
Bronchiectasis with or without elevated sweat chloride 2 (BESC2). Identifiers: Orphanet 60033, MedGen C2751666, MONDO:0013087, OMIM 613021.

Allele frequency attached by ClinVar (database versions not stated): 1000 Genomes Project 30x 0.00016; 1000 Genomes Project 0.00020; TOPMed 0.00089; gnomAD 0.00091 and 0.00095; ExAC 0.00101; gnomAD exomes 0.00106 and 0.00138; ESP Exome Variant Server 0.00131.
gnomAD v4.1: 2,149 of 1,614,064 alleles (0.13%); highest among the groups gnomAD compares: South Asian, 0.23%; 4 homozygotes.

Submissions (4):

CeGaT Center for Human Genetics Tuebingen
Classification: Likely benign. Last evaluated: 2026-01-01. Review status: criteria provided, single submitter. Criteria: CeGaT Center For Human Genetics Tuebingen Variant Classification Criteria Version 2. Collection method: clinical testing. Allele origin: germline. Affected: yes. Observed: 1 variant allele.
Comment: SCNN1A: BP4

Blueprint Genetics
Classification: Likely benign. Last evaluated: 2024-11-27. Review status: criteria provided, single submitter. Criteria: ACMG Guidelines, 2015. Collection method: clinical testing. Allele origin: germline.

Illumina Laboratory Services, Illumina
Classification: Benign for Bronchiectasis with or without elevated sweat chloride 2. Last evaluated: 2018-01-13. Review status: criteria provided, single submitter. Criteria: ICSL Variant Classification Criteria 13 December 2019. Collection method: clinical testing. Allele origin: germline.
Comment: This variant was observed in the ICSL laboratory as part of a predisposition screen in an ostensibly healthy population. It had not been previously curated by ICSL or reported in the Human Gene Mutation Database (HGMD: prior to June 1st, 2018), and was therefore a candidate for classification through an automated scoring system. Utilizing variant allele frequency, disease prevalence and penetrance estimates, and inheritance mode, an automated score was calculated to assess if this variant is too frequent to cause the disease. Based on the score and internal cut-off values, a variant classified as benign is not then subjected to further curation. The score for this variant resulted in a classification of benign for this disease.

Illumina Laboratory Services, Illumina
Classification: Uncertain significance for Pseudohypoaldosteronism, type IB1, autosomal recessive. Last evaluated: 2018-01-13. Review status: criteria provided, single submitter. Criteria: ICSL Variant Classification Criteria 13 December 2019. Collection method: clinical testing. Allele origin: germline.

NM_001038.6(SCNN1A):c.-54-14C>T

Gene: SCNN1A (sodium channel epithelial 1 subunit alpha; minus strand). Cytogenetic location: 12p13.31.
Variant type: single nucleotide variant.
Coding change: c.-54-14C>T on transcript NM_001038.6 (MANE Select); 14 bases into the intron before 54 bases upstream of the start codon, C replaced by T.
Molecular consequence: intron variant. On other transcripts: missense variant (1).
Genome position (GRCh38, 1-based): chr12:6,374,851, G>A on the plus strand (C>T on the coding strand, the complement: SCNN1A is on the minus strand). VCF-style: chr12-6374851-G-A. GRCh37 (hg19) VCF-style: chr12-6484017-G-A.
Other names: c.110C>T, p.Pro37Leu (NM_001159576.2); c.16-14C>T (NM_001159575.2); short protein forms P37L.
Identifiers: ClinVar variation 310156 (VCV000310156.10), dbSNP rs61758858, ClinGen allele CA6406349.